The following is an entry in ClinVar:

NM_000138.5(FBN1):c.4943-4A>G

Gene: FBN1 (fibrillin 1; minus strand). Cytogenetic location: 15q21.1.
Variant type: single nucleotide variant.
Coding change: c.4943-4A>G on transcript NM_000138.5 (MANE Select); 4 bases into the intron before coding-DNA position 4943, A replaced by G.
Molecular consequence: intron variant.
Genome position (GRCh38, 1-based): chr15:48,464,025, T>C on the plus strand (A>G on the coding strand, the complement: FBN1 is on the minus strand). VCF-style: chr15-48464025-T-C. GRCh37 (hg19) VCF-style: chr15-48756222-T-C.
Identifiers: ClinVar variation 457228 (VCV000457228.22), dbSNP rs1555396865, ClinGen allele CA658656470.

ClinVar aggregate classification (germline): Likely benign. Review status: criteria provided, multiple submitters, no conflicts (2 of 4 stars). 3 submissions from 3 submitters: Likely benign (3). Last evaluated 2024-12-01.

Conditions:
Marfan syndrome (MFS). Also called: MARFAN SYNDROME, TYPE I; Marfan's syndrome; Marfan syndrome, classic; Marfan syndrome type 1; FBN1-Related Marfan Syndrome. Identifiers: Orphanet 284963, Orphanet 558, MedGen C0024796, MONDO:0007947, OMIM 154700.
Familial thoracic aortic aneurysm and aortic dissection (TAAD). Also called: Thoracic aortic aneurysms and dissections. Identifiers: Orphanet 91387, MedGen C4707243, MONDO:0019625.

Allele frequency attached by ClinVar (database versions not stated): gnomAD exomes below 0.00001; TOPMed below 0.00001.
gnomAD v4.1: 5 of 1,613,694 alleles (0.00031%); highest among the groups gnomAD compares: Non-Finnish European, 0.00042%; no homozygotes.

Submissions (3):

CeGaT Center for Human Genetics Tuebingen
Classification: Likely benign. Last evaluated: 2024-12-01. Review status: criteria provided, single submitter. Criteria: CeGaT Center For Human Genetics Tuebingen Variant Classification Criteria Version 2. Collection method: clinical testing. Allele origin: germline. Affected: yes. Observed: 1 variant allele.
Comment: FBN1: BP4

Labcorp Genetics (formerly Invitae), Labcorp
Classification: Likely benign for Marfan syndrome; Familial thoracic aortic aneurysm and aortic dissection. Last evaluated: 2024-05-01. Review status: criteria provided, single submitter. Criteria: Invitae Variant Classification Sherloc (09022015). Collection method: clinical testing. Allele origin: germline.

All of Us Research Program, National Institutes of Health
Classification: Likely benign for Marfan syndrome. Last evaluated: 2023-11-02. Review status: criteria provided, single submitter. Criteria: ACMG Guidelines, 2015. Collection method: clinical testing. Allele origin: germline. Inheritance: Autosomal dominant inheritance. Observed: 1 variant allele, 1 heterozygote.
Comment: This study involves interpretation of variants in research participants for the purpose of population health screening. Participant phenotype was not available at the time of variant classification. Additional details can be found in publication PMID: 35346344, PMCID: PMC8962531